The following is an entry in ClinVar:

ClinVar aggregate classification (germline): Uncertain significance. Review status: criteria provided, multiple submitters, no conflicts (2 of 4 stars). 4 submissions from 4 submitters: Uncertain significance (4). Last evaluated 2025-11-02.

Conditions:
Hereditary cancer-predisposing syndrome. Also called: Hereditary neoplastic syndrome; Neoplastic Syndromes, Hereditary; Tumor predisposition; Hereditary Cancer Syndrome. Identifiers: Orphanet 140162, MedGen C0027672, MeSH D009386, MONDO:0015356.
Familial cancer of breast. Also called: BREAST CANCER, FAMILIAL; Hereditary breast cancer; hereditary breast carcinoma. Identifiers: Orphanet 227535, MedGen C0346153, MONDO:0016419, OMIM 114480. Disease mechanism: loss of function.
Ataxia-telangiectasia syndrome (AT). Also called: LOUIS-BAR SYNDROME; Cerebello-oculocutaneous telangiectasia; Immunodeficiency with ataxia telangiectasia; AT, COMPLEMENTATION GROUP C; Ataxia-telangiectasia, complementation group D; ATAXIA-TELANGIECTASIA, COMPLEMENTATION GROUP A. Identifiers: Orphanet 100, MedGen C0004135, MONDO:0008840, OMIM 208900.

Allele frequency attached by ClinVar (database versions not stated): ExAC 0.00001; gnomAD exomes 0.00001; TOPMed 0.00001; gnomAD 0.00002; ESP Exome Variant Server 0.00008.
gnomAD v4.1: 30 of 1,613,898 alleles (0.0019%); highest among the groups gnomAD compares: Non-Finnish European, 0.0025%; no homozygotes.

Submissions (4):

Ambry Genetics
Classification: Uncertain significance for Hereditary cancer-predisposing syndrome. Last evaluated: 2025-11-02. Review status: criteria provided, single submitter. Criteria: Ambry Variant Classification Scheme 2023. Collection method: clinical testing. Allele origin: germline.
Comment: The p.S1281C variant (also known as c.3841A>T), located in coding exon 25 of the ATM gene, results from an A to T substitution at nucleotide position 3841. The serine at codon 1281 is replaced by cysteine, an amino acid with dissimilar properties. This alteration has been reported in the germline of 1 of 8,920 ethnically matched normal population control subjects and in 0 of 516 samples from a study of chronic lymphocytic leukemia patients of European descent (Tiao G et al. Leukemia, 2017 Oct;31:2244-2247). This amino acid position is not well conserved in available vertebrate species. In addition, this alteration is predicted to be tolerated by in silico analysis. Since supporting evidence is limited at this time, the clinical significance of this alteration remains unclear.

Labcorp Genetics (formerly Invitae), Labcorp
Classification: Uncertain significance for Ataxia-telangiectasia syndrome. Last evaluated: 2025-02-20. Review status: criteria provided, single submitter. Criteria: Invitae Variant Classification Sherloc (09022015). Collection method: clinical testing. Allele origin: germline.
Comment: This sequence change replaces serine, which is neutral and polar, with cysteine, which is neutral and slightly polar, at codon 1281 of the ATM protein (p.Ser1281Cys). The frequency data for this variant in the population databases is considered unreliable, as metrics indicate poor data quality at this position in the gnomAD database. This variant has not been reported in the literature in individuals affected with ATM-related conditions. ClinVar contains an entry for this variant (Variation ID: 481273). Invitae Evidence Modeling of protein sequence and biophysical properties (such as structural, functional, and spatial information, amino acid conservation, physicochemical variation, residue mobility, and thermodynamic stability) indicates that this missense variant is not expected to disrupt ATM protein function with a negative predictive value of 95%. In summary, the available evidence is currently insufficient to determine the role of this variant in disease. Therefore, it has been classified as a Variant of Uncertain Significance.

Department of Pathology and Laboratory Medicine, Sinai Health System
Classification: Uncertain significance for Familial cancer of breast. Last evaluated: 2023-01-24. Review status: criteria provided, single submitter. Criteria: ACMG Guidelines, 2015. Collection method: clinical testing. Allele origin: germline. Affected: yes.

GeneDx
Classification: Uncertain significance. Last evaluated: 2020-12-24. Review status: criteria provided, single submitter. Criteria: GeneDx Variant Classification Process June 2021. Collection method: clinical testing. Allele origin: germline. Affected: yes.
Comment: Not observed at a significant frequency in large population cohorts (Lek et al., 2016); In silico analysis supports that this missense variant has a deleterious effect on protein structure/function; Has not been previously published as pathogenic or benign to our knowledge

Literature cited by the submitters: PubMed 28652578 (cited by Ambry Genetics).

NM_000051.4(ATM):c.3841A>T (p.Ser1281Cys)

Gene: ATM (ATM serine/threonine kinase; plus strand). Cytogenetic location: 11q22.3.
Variant type: single nucleotide variant.
Coding change: c.3841A>T on transcript NM_000051.4 (MANE Select); coding-DNA position 3841, A replaced by T.
Protein change: p.Ser1281Cys; replaces serine 1281 with cysteine.
Molecular consequence: missense variant.
Genome position (GRCh38, 1-based): chr11:108,284,321, A>T. VCF-style: chr11-108284321-A-T. GRCh37 (hg19) VCF-style: chr11-108155048-A-T.
Other names: c.3841A>T, p.Ser1281Cys (NM_001351834.2); c.3841A>T (NM_000051.2); short protein forms S1281C.
Identifiers: ClinVar variation 481273 (VCV000481273.19), dbSNP rs370785959, ClinGen allele CA6265359.